The following is an entry in ClinVar:

ClinVar aggregate classification (germline): Uncertain significance (1 of 4 stars; one submission).

Conditions:
Melanoma, cutaneous malignant, susceptibility to, 5. Also called: Cutaneous malignant melanoma 5. Identifiers: Orphanet 618, MedGen C2751295, MONDO:0013133, OMIM 613099.

Allele frequency attached by ClinVar (database versions not stated): gnomAD 0.00001; gnomAD exomes 0.00001 and 0.00002; TOPMed below 0.00001; ExAC 0.00002.
gnomAD v4.1: 24 of 1,609,676 alleles (0.0015%); highest among the groups gnomAD compares: Middle Eastern, 0.13%; no homozygotes.

Submission:

Labcorp Genetics (formerly Invitae), Labcorp
Classification: Uncertain significance for Melanoma, cutaneous malignant, susceptibility to, 5. Last evaluated: 2023-04-11. Review status: criteria provided, single submitter. Criteria: Invitae Variant Classification Sherloc (09022015). Collection method: clinical testing. Allele origin: germline.
Comment: In summary, the available evidence is currently insufficient to determine the role of this variant in disease. Therefore, it has been classified as a Variant of Uncertain Significance. Advanced modeling of protein sequence and biophysical properties (such as structural, functional, and spatial information, amino acid conservation, physicochemical variation, residue mobility, and thermodynamic stability) performed at Invitae indicates that this missense variant is not expected to disrupt MC1R protein function. ClinVar contains an entry for this variant (Variation ID: 840425). This missense change has been observed in individual(s) with melanoma (PMID: 15998953, 19585506). This variant is present in population databases (rs750319061, gnomAD 0.004%). This sequence change replaces valine, which is neutral and non-polar, with methionine, which is neutral and non-polar, at codon 112 of the MC1R protein (p.Val112Met).

Literature cited by the submitters: PubMed 15998953; PubMed 19585506.

NM_002386.4(MC1R):c.334G>A (p.Val112Met)

Gene: MC1R (melanocortin 1 receptor; plus strand). Cytogenetic location: 16q24.3.
Variant type: single nucleotide variant.
Coding change: c.334G>A on transcript NM_002386.4 (MANE Select); coding-DNA position 334, G replaced by A.
Protein change: p.Val112Met; replaces valine 112 with methionine.
Molecular consequence: missense variant.
Genome position (GRCh38, 1-based): chr16:89,919,592, G>A. VCF-style: chr16-89919592-G-A. GRCh37 (hg19) VCF-style: chr16-89986000-G-A.
Other names: short protein forms V112M.
Identifiers: ClinVar variation 840425 (VCV000840425.9), dbSNP rs750319061, ClinGen allele CA8255564.